The following is an entry in ClinVar:

ClinVar aggregate classification (germline): Uncertain significance (1 of 4 stars; one submission).

gnomAD v4.1: 5 of 1,614,024 alleles (0.00031%); highest among the groups gnomAD compares: Non-Finnish European, 0.00042%; no homozygotes.

Submission:

Labcorp Genetics (formerly Invitae), Labcorp
Classification: Uncertain significance. Last evaluated: 2025-12-17. Review status: criteria provided, single submitter. Criteria: Invitae Variant Classification Sherloc (09022015). Collection method: clinical testing. Allele origin: germline.
Comment: This sequence change replaces alanine, which is neutral and non-polar, with serine, which is neutral and polar, at codon 243 of the SLCO2A1 protein (p.Ala243Ser). This variant is present in population databases (rs756984222, gnomAD 0.0009%). This variant has not been reported in the literature in individuals affected with SLCO2A1-related conditions. Invitae Evidence Modeling of protein sequence and biophysical properties (such as structural, functional, and spatial information, amino acid conservation, physicochemical variation, residue mobility, and thermodynamic stability) indicates that this missense variant is not expected to disrupt SLCO2A1 protein function with a negative predictive value of 95%. In summary, the available evidence is currently insufficient to determine the role of this variant in disease. Therefore, it has been classified as a Variant of Uncertain Significance.

NM_005630.3(SLCO2A1):c.727G>T (p.Ala243Ser)

Gene: SLCO2A1 (solute carrier organic anion transporter family member 2A1; minus strand). Cytogenetic location: 3q22.1.
Variant type: single nucleotide variant.
Coding change: c.727G>T on transcript NM_005630.3 (MANE Select); coding-DNA position 727, G replaced by T.
Protein change: p.Ala243Ser; replaces alanine 243 with serine.
Molecular consequence: missense variant.
Genome position (GRCh38, 1-based): chr3:133,951,342, C>A on the plus strand (G>T on the coding strand, the complement: SLCO2A1 is on the minus strand). VCF-style: chr3-133951342-C-A. GRCh37 (hg19) VCF-style: chr3-133670186-C-A.
Other names: short protein forms A243S.
Identifiers: ClinVar variation 4694505 (VCV004694505.1).